The following is an entry in ClinVar:

NM_001378452.1(ITPR1):c.7459G>A (p.Ala2487Thr)

Gene: ITPR1 (inositol 1,4,5-trisphosphate receptor type 1; plus strand). Cytogenetic location: 3p26.1.
Variant type: single nucleotide variant.
Coding change: c.7459G>A on transcript NM_001378452.1 (MANE Select); coding-DNA position 7459, G replaced by A.
Protein change: p.Ala2487Thr; replaces alanine 2487 with threonine.
Molecular consequence: missense variant.
Genome position (GRCh38, 1-based): chr3:4,811,451, G>A. VCF-style: chr3-4811451-G-A. GRCh37 (hg19) VCF-style: chr3-4853135-G-A.
Other names: c.7315G>A, p.Ala2439Thr (NM_001099952.4); c.7414G>A, p.Ala2472Thr (NM_001168272.2); c.7270G>A, p.Ala2424Thr (NM_002222.7); short protein forms A2424T, A2487T, A2439T, A2472T.
Identifiers: ClinVar variation 3111748 (VCV003111748.1), dbSNP rs1257206568, ClinGen allele CA351648005.
Genomic context (GRCh38, chr3:4,811,451, plus strand): 5'-GGCTATCTTTTCTTCAAGGATGACTTTATCTTGGAAGTAGATAGGCTGCCCAATGAAACA[G>A]CTGTTCCAGGTGGGTTTGGGATCTTCTGATCTTTTTAATGCTAAAAGATTATTTCCTGAT-3'
Protein context (NP_001365381.1, residues 2477-2497): LEVDRLPNET[Ala2487Thr]VPETGESLAS

ClinVar aggregate classification (germline): Uncertain significance (1 of 4 stars; one submission).

Conditions:
Inborn genetic diseases. Identifiers: MedGen C0950123, MeSH D030342.

Allele frequency attached by ClinVar (database versions not stated): gnomAD exomes below 0.00001.
gnomAD v4.1: 2 of 1,613,532 alleles (0.00012%); highest among the groups gnomAD compares: Non-Finnish European, 0.00017%; no homozygotes.

Submission:

Ambry Genetics
Classification: Uncertain significance for Inborn genetic diseases. Last evaluated: 2023-12-08. Review status: criteria provided, single submitter. Criteria: Ambry Variant Classification Scheme 2023. Collection method: clinical testing. Allele origin: germline.
Comment: The c.7270G>A (p.A2424T) alteration is located in exon 52 (coding exon 50) of the ITPR1 gene. This alteration results from a G to A substitution at nucleotide position 7270, causing the alanine (A) at amino acid position 2424 to be replaced by a threonine (T). Based on data from gnomAD, the A allele has an overall frequency of <0.001% (1/248858) total alleles studied. The highest observed frequency was 0.001% (1/112890) of European (non-Finnish) alleles. This amino acid position is not well conserved in available vertebrate species. This alteration is predicted to be tolerated by in silico analysis. Based on insufficient or conflicting evidence, the clinical significance of this alteration remains unclear.